The following is an entry in ClinVar:

NM_002617.4(PEX10):c.913-4G>A

Gene: PEX10 (peroxisomal biogenesis factor 10; minus strand). Cytogenetic location: 1p36.32.
Variant type: single nucleotide variant.
Coding change: c.913-4G>A on transcript NM_002617.4 (MANE Select); 4 bases into the intron before coding-DNA position 913, G replaced by A.
Molecular consequence: intron variant.
Genome position (GRCh38, 1-based): chr1:2,405,838, C>T on the plus strand (G>A on the coding strand, the complement: PEX10 is on the minus strand). VCF-style: chr1-2405838-C-T. GRCh37 (hg19) VCF-style: chr1-2337277-C-T.
Other names: c.481-4G>A (NM_001374427.1); c.538-4G>A (NM_001374426.1); c.970-4G>A (NM_001374425.1); c.973-4G>A (NM_153818.2).
Identifiers: ClinVar variation 262791 (VCV000262791.24), dbSNP rs11586985, ClinGen allele CA537958.

ClinVar aggregate classification (germline): Benign. Review status: criteria provided, multiple submitters, no conflicts (2 of 4 stars). 9 submissions from 8 submitters: Benign (7). 2 of the submissions do not count toward it. Last evaluated 2026-02-04.

Conditions:
Zellweger spectrum disorders (ZS). Also called: Zellweger Spectrum Disorder; Zellweger Spectrum; Zellweger syndrome; Zellweger Spectrum Disorder (ZSD). Identifiers: Orphanet 912, MedGen C0043459, MONDO:0019609.
Peroxisome biogenesis disorder, complementation group 7 (CG7). Also called: Peroxisome biogenesis disorder, complementation group B. Identifiers: MedGen C1864399.
Peroxisome biogenesis disorder 6B (PBD6B). Identifiers: Orphanet 44, MedGen C3553948, MONDO:0013937, OMIM 614871.
Peroxisome biogenesis disorder 6A (Zellweger). Also called: Peroxisome biogenesis disorder 6A. Identifiers: Orphanet 912, MedGen C3553947, MONDO:0013936, OMIM 614870.

Allele frequency attached by ClinVar (database versions not stated): TOPMed 0.08131; 1000 Genomes Project 30x 0.07870; gnomAD 0.08566 and 0.08770; gnomAD exomes 0.10496 and 0.11005; 1000 Genomes Project 0.08087; ExAC 0.15297; ESP Exome Variant Server 0.08205.
gnomAD v4.1: 171,340 of 1,586,640 alleles (11%); highest among the groups gnomAD compares: Middle Eastern, 20%; 9,839 homozygotes.

Submissions (9):

Labcorp Genetics (formerly Invitae), Labcorp
Classification: Benign for Peroxisome biogenesis disorder, complementation group 7. Last evaluated: 2026-02-04. Review status: criteria provided, single submitter. Criteria: Invitae Variant Classification Sherloc (09022015). Collection method: clinical testing. Allele origin: germline.

Genome-Nilou Lab
Classification: Benign for Peroxisome biogenesis disorder 6A (Zellweger). Last evaluated: 2021-07-08. Review status: criteria provided, single submitter. Criteria: ACMG Guidelines, 2015. Collection method: clinical testing. Allele origin: germline. Affected: no.

Genome-Nilou Lab
Classification: Benign for Peroxisome biogenesis disorder 6B. Last evaluated: 2021-07-08. Review status: criteria provided, single submitter. Criteria: ACMG Guidelines, 2015. Collection method: clinical testing. Allele origin: germline. Affected: no.

GeneDx
Classification: Benign. Last evaluated: 2018-09-26. Review status: criteria provided, single submitter. Criteria: GeneDx Variant Classification Process June 2021. Collection method: clinical testing. Allele origin: germline. Affected: yes.

Illumina Laboratory Services, Illumina
Classification: Benign for Peroxisome biogenesis disorder 6A (Zellweger). Last evaluated: 2018-01-12. Review status: criteria provided, single submitter. Criteria: ICSL Variant Classification Criteria 13 December 2019. Collection method: clinical testing. Allele origin: germline.
Comment: This variant was observed in the ICSL laboratory as part of a predisposition screen in an ostensibly healthy population. It had not been previously curated by ICSL or reported in the Human Gene Mutation Database (HGMD: prior to June 1st, 2018), and was therefore a candidate for classification through an automated scoring system. Utilizing variant allele frequency, disease prevalence and penetrance estimates, and inheritance mode, an automated score was calculated to assess if this variant is too frequent to cause the disease. Based on the score and internal cut-off values, a variant classified as benign is not then subjected to further curation. The score for this variant resulted in a classification of benign for this disease.

Breakthrough Genomics
Classification: Benign. Review status: criteria provided, single submitter. Criteria: ACMG Guidelines, 2015. Collection method: not provided. Allele origin: germline. Inheritance: Autosomal recessive inheritance. Affected: yes.

PreventionGenetics, part of Exact Sciences
Classification: Benign. Review status: criteria provided, single submitter. Criteria: ACMG Guidelines, 2015. Collection method: clinical testing. Allele origin: germline.

Natera, Inc.
Classification: Benign for Zellweger syndrome. Last evaluated: 2019-11-21. Review status: no assertion criteria provided. Collection method: clinical testing. Allele origin: germline. Not counted in ClinVar's aggregate classification.

Mayo Clinic Laboratories, Mayo Clinic
Classification: Benign. Last evaluated: 2015-10-21. Review status: no assertion criteria provided. Collection method: clinical testing. Allele origin: unknown. Not counted in ClinVar's aggregate classification.